The following is an entry in ClinVar:

NC_000001.10:g.(?_197237324)_(197447595_?)del

Gene: CRB1 (crumbs cell polarity complex component 1; plus strand). Cytogenetic location: 1q31.3.
Variant type: Deletion.
Identifiers: ClinVar variation 2427684 (VCV002427684.3).

ClinVar aggregate classification (germline): Pathogenic (1 of 4 stars; one submission).

Conditions:
Retinitis pigmentosa 12 (RP12). Also called: RP WITH OR WITHOUT PRESERVED PARAARTERIOLE RETINAL PIGMENT EPITHELIUM; RETINITIS PIGMENTOSA WITH OR WITHOUT PARAARTERIOLAR PRESERVATION OF RETINAL PIGMENT EPITHELIUM; RP WITH OR WITHOUT PPRPE. Identifiers: Orphanet 791, MedGen C1838647, MONDO:0010818, OMIM 600105.
Leber congenital amaurosis 8 (LCA8). Identifiers: Orphanet 65, MedGen C3151202, MONDO:0013453, OMIM 613835.

Submission:

Labcorp Genetics (formerly Invitae), Labcorp
Classification: Pathogenic for Leber congenital amaurosis 8; Retinitis pigmentosa 12. Last evaluated: 2021-08-04. Review status: criteria provided, single submitter. Criteria: Invitae Variant Classification Sherloc (09022015). Collection method: clinical testing. Allele origin: germline.
Comment: A gross deletion of the genomic region encompassing the full coding sequence of the CRB1 gene has been identified. Loss-of-function variants in CRB1 are known to be pathogenic (PMID: 10508521, 22065545, 23379534, 25412400, 26957898, 28041643, 29391521). The boundaries of this event are unknown as they extend beyond the assayed region for this gene and therefore may encompass additional genes. A similar copy number variant has been observed in individual(s) with CRB1-related conditions (PMID: 17964524). For these reasons, this variant has been classified as Pathogenic.

Literature cited by the submitters: PubMed 10508521; PubMed 22065545; PubMed 23379534; PubMed 25412400; PubMed 26957898; PubMed 28041643; PubMed 29391521; PubMed 17964524.